The following is an entry in ClinVar:

ClinVar aggregate classification (germline): Pathogenic (1 of 4 stars; one submission).

Conditions:
Hereditary nonpolyposis colon cancer (HNPCC). Also called: Hereditary nonpolyposis colorectal cancer; Familial nonpolyposis colon cancer; Hereditary Nonpolyposis Colorectal Cancer Syndrome. Identifiers: Orphanet 443909, MedGen C1333990, MONDO:0018630. Disease mechanism: loss of function.

Submission:

Women's Health and Genetics/Laboratory Corporation of America, LabCorp
Classification: Pathogenic for Hereditary nonpolyposis colon cancer. Last evaluated: 2023-01-26. Review status: criteria provided, single submitter. Criteria: LabCorp Variant Classification Summary - May 2015. Collection method: clinical testing. Allele origin: germline.
Comment: Variant summary: The variant identified by MLPA or other technology involves the deletion of exons 6-8 in the PMS2 gene. A presumed nomenclature of c.(537+1_538-1)_(903+1_904-1)del has been designated for the purposes of this classification. Although exact breakpoints of this deletion are not known, it is expected to result in a large in-frame deletion change in the PMS2 gene, interrupting the N-terminal ATPase domain (amino acid 13-343, IPR002099, and PMID: 11574484). The variant was absent in 21694 control chromosomes in the gnomAD database (structural variants data set). Deletion of exons 6-8 has been reported in the literature in multiple heterozygous individuals affected with colon cancer and other tumor phenotypes belonging to the Lynch syndrome tumor spectrum (e.g. Vaughn_2010, Rosty_2016 and Susswein_2016), and in at least one of these cases the loss of PMS2 expression was described in the associated tumor (Vaughn_2010). In addition, the variant was also reported in a compound heterozygous individual (together with a 2nd pLoF variant), who was affected with constitutional mismatch repair deficiency (CMMRD) syndrome, where the loss of PMS2 expression was described in both the tumor and normal tissue (Bakry_2014). These data indicate that the variant is likely associated with disease. One clinical diagnostic laboratory has submitted clinical-significance assessments for this variant to ClinVar after 2014 and classified the variant as pathogenic. Based on the evidence outlined above, the variant was classified as pathogenic.

Literature cited by the submitters: PubMed 20205264; PubMed 26681312; PubMed 26895986; PubMed 24440087.

NC_000007.13:g.(6031689_6035164)_(6038907_6042083)del

Gene: PMS2 (PMS1 homolog 2, mismatch repair system component; minus strand). Cytogenetic location: 7p22.1.
Variant type: Deletion.
Identifiers: ClinVar variation 2429161 (VCV002429161.3).